The following is an entry in ClinVar:

ClinVar aggregate classification (germline): Likely benign. Review status: criteria provided, multiple submitters, no conflicts (2 of 4 stars). 2 submissions from 2 submitters: Likely benign (2). Last evaluated 2025-11-23.

Conditions:
Developmental and epileptic encephalopathy, 42 (DEE42A). Also called: Epileptic encephalopathy, early infantile, 42; DEVELOPMENTAL AND EPILEPTIC ENCEPHALOPATHY 42A; EPILEPTIC ENCEPHALOPATHY, EARLY INFANTILE, 42A. Identifiers: MedGen C4310716, MONDO:0014917, OMIM 617106.
Episodic ataxia type 2 (EA2). Also called: ATAXIA, EPISODIC, WITH NYSTAGMUS; ATAXIA, FAMILIAL PAROXYSMAL; CEREBELLAR ATAXIA, PAROXYSMAL, ACETAZOLAMIDE-RESPONSIVE; CEREBELLOPATHY, HEREDITARY PAROXYSMAL; EPISODIC ATAXIA, NYSTAGMUS-ASSOCIATED; ACETAZOLAMIDE-RESPONSIVE HEREDITARY PAROXYSMAL CEREBELLAR ATAXIA. Identifiers: Orphanet 97, MedGen C1720416, MONDO:0007163, OMIM 108500.

Allele frequency attached by ClinVar (database versions not stated): gnomAD exomes 0.00001.
gnomAD v4.1: 17 of 1,613,928 alleles (0.0011%); highest among the groups gnomAD compares: Middle Eastern, 0.017%; no homozygotes.

Submissions (2):

Labcorp Genetics (formerly Invitae), Labcorp
Classification: Likely benign for Developmental and epileptic encephalopathy, 42; Episodic ataxia type 2. Last evaluated: 2025-11-23. Review status: criteria provided, single submitter. Criteria: Invitae Variant Classification Sherloc (09022015). Collection method: clinical testing. Allele origin: germline.

Athena Diagnostics
Classification: Likely benign. Last evaluated: 2025-05-09. Review status: criteria provided, single submitter. Criteria: Athena Diagnostics Criteria. Collection method: clinical testing. Allele origin: unknown.
Comment: Computational tools yielded predictions that this variant is unlikely to have an effect on normal RNA splicing. This nucleotide position exhibits low evolutionary conservation.

NM_001127222.2(CACNA1A):c.2199G>A (p.Ala733=)

Gene: CACNA1A (calcium voltage-gated channel subunit alpha1 A; minus strand). Cytogenetic location: 19p13.13.
Variant type: single nucleotide variant.
Coding change: c.2199G>A on transcript NM_001127222.2 (MANE Select); coding-DNA position 2199, G replaced by A.
Protein change: p.Ala733=; no amino-acid change (alanine 733 retained).
Molecular consequence: synonymous variant.
Genome position (GRCh38, 1-based): chr19:13,300,630, C>T on the plus strand (G>A on the coding strand, the complement: CACNA1A is on the minus strand). VCF-style: chr19-13300630-C-T. GRCh37 (hg19) VCF-style: chr19-13411444-C-T.
Other names: c.2202G>A (NM_000068.2); c.2211G>A, p.Ala737= (NM_000068.4, NM_023035.3); c.2202G>A, p.Ala734= (NM_001127221.2, NM_001174080.2).
Identifiers: ClinVar variation 1079273 (VCV001079273.10), dbSNP rs1463843521, ClinGen allele CA505660819.